The following is an entry in ClinVar:

ClinVar aggregate classification (germline): Uncertain significance. Review status: criteria provided, multiple submitters, no conflicts (2 of 4 stars). 3 submissions from 3 submitters: Uncertain significance (3). Last evaluated 2025-12-22.

Conditions:
Hereditary cancer-predisposing syndrome. Also called: Tumor predisposition; Hereditary Cancer Syndrome; Neoplastic Syndromes, Hereditary; Hereditary neoplastic syndrome. Identifiers: Orphanet 140162, MedGen C0027672, MeSH D009386, MONDO:0015356.
Familial adenomatous polyposis 2. Also called: MYH-associated polyposis; FAP type 2; ADENOMAS, MULTIPLE COLORECTAL, AUTOSOMAL RECESSIVE; MUTYH Polyposis; MUTYH-associated polyposis; MUTYH-related attenuated familial adenomatous polyposis. Identifiers: Orphanet 220460, Orphanet 247798, MedGen C3272841, MONDO:0012041, OMIM 608456.

Submissions (3):

Labcorp Genetics (formerly Invitae), Labcorp
Classification: Uncertain significance for Familial adenomatous polyposis 2. Last evaluated: 2025-12-22. Review status: criteria provided, single submitter. Criteria: Invitae Variant Classification Sherloc (09022015). Collection method: clinical testing. Allele origin: germline.
Comment: This sequence change replaces serine, which is neutral and polar, with phenylalanine, which is neutral and non-polar, at codon 181 of the MUTYH protein (p.Ser181Phe). This variant is not present in population databases (gnomAD no frequency). This variant has not been reported in the literature in individuals affected with MUTYH-related conditions. ClinVar contains an entry for this variant (Variation ID: 231020). An algorithm developed to predict the effect of missense changes on protein structure and function (PolyPhen-2) suggests that this variant is likely to be disruptive. In summary, the available evidence is currently insufficient to determine the role of this variant in disease. Therefore, it has been classified as a Variant of Uncertain Significance.

Ambry Genetics
Classification: Uncertain significance for Hereditary cancer-predisposing syndrome. Last evaluated: 2025-04-16. Review status: criteria provided, single submitter. Criteria: Ambry Variant Classification Scheme 2023. Collection method: clinical testing. Allele origin: germline.
Comment: The p.S181F variant (also known as c.542C>T), located in coding exon 7 of the MUTYH gene, results from a C to T substitution at nucleotide position 542. The serine at codon 181 is replaced by phenylalanine, an amino acid with highly dissimilar properties. This amino acid position is highly conserved in available vertebrate species. In addition, this alteration is predicted to be deleterious by in silico analysis. Since supporting evidence is limited at this time, the clinical significance of this alteration remains unclear.

Color Diagnostics, LLC DBA Color Health
Classification: Uncertain significance for Hereditary cancer-predisposing syndrome. Last evaluated: 2023-12-05. Review status: criteria provided, single submitter. Criteria: ACMG Guidelines, 2015. Collection method: clinical testing. Allele origin: germline.
Comment: This missense variant replaces serine with phenylalanine at codon 181 of the MUTYH protein. Computational prediction suggests that this variant may have deleterious impact on protein structure and function (internally defined REVEL score threshold >= 0.7, PMID: 27666373). To our knowledge, functional studies have not been reported for this variant. This variant has not been reported in individuals affected with MUTYH-related disorders in the literature. This variant has not been identified in the general population by the Genome Aggregation Database (gnomAD). The available evidence is insufficient to determine the role of this variant in disease conclusively. Therefore, this variant is classified as a Variant of Uncertain Significance.

NM_001048174.2(MUTYH):c.458C>T (p.Ser153Phe)

Gene: MUTYH (mutY DNA glycosylase; minus strand). Cytogenetic location: 1p34.1.
Variant type: single nucleotide variant.
Coding change: c.458C>T on transcript NM_001048174.2 (MANE Select); coding-DNA position 458, C replaced by T.
Protein change: p.Ser153Phe; replaces serine 153 with phenylalanine.
Molecular consequence: missense variant. On other transcripts: non-coding transcript variant (2).
Genome position (GRCh38, 1-based): chr1:45,332,797, G>A on the plus strand (C>T on the coding strand, the complement: MUTYH is on the minus strand). VCF-style: chr1-45332797-G-A. GRCh37 (hg19) VCF-style: chr1-45798469-G-A.
Other names: c.458C>T, p.Ser153Phe (NM_001048171.2, NM_001048173.2, NM_001293195.2); c.461C>T, p.Ser154Phe (NM_001048172.2); c.542C>T, p.Ser181Phe (NM_001128425.2); c.503C>T, p.Ser168Phe (NM_001293190.2); c.491C>T, p.Ser164Phe (NM_001293191.2); c.182C>T, p.Ser61Phe (NM_001293192.2, NM_001293196.2); c.113C>T, p.Ser38Phe (NM_001350650.2, NM_001350651.2); c.533C>T, p.Ser178Phe (NM_012222.3); short protein forms S181F, S153F, S154F, S164F, S61F, S168F, S178F, S38F.
Identifiers: ClinVar variation 231020 (VCV000231020.21), dbSNP rs876658906, ClinGen allele CA10577731.